The following is an entry in ClinVar:

NM_000069.3(CACNA1S):c.2104G>T (p.Ala702Ser)

Gene: CACNA1S (calcium voltage-gated channel subunit alpha1 S; minus strand). Cytogenetic location: 1q32.1.
Variant type: single nucleotide variant.
Coding change: c.2104G>T on transcript NM_000069.3 (MANE Select); coding-DNA position 2104, G replaced by T.
Protein change: p.Ala702Ser; replaces alanine 702 with serine.
Molecular consequence: missense variant.
Genome position (GRCh38, 1-based): chr1:201,073,602, C>A on the plus strand (G>T on the coding strand, the complement: CACNA1S is on the minus strand). VCF-style: chr1-201073602-C-A. GRCh37 (hg19) VCF-style: chr1-201042730-C-A.
Other names: short protein forms A702S.
Identifiers: ClinVar variation 579168 (VCV000579168.7), dbSNP rs1473781692, ClinGen allele CA344113520.

ClinVar aggregate classification (germline): Uncertain significance (1 of 4 stars; one submission).

Conditions:
Hypokalemic periodic paralysis, type 1. Also called: Hypokalemic Periodic Paralysis Type 1 (AD); HypoPP. Identifiers: Orphanet 681, MedGen C3714580, MONDO:0042979, OMIM 170400.
Malignant hyperthermia, susceptibility to, 5 (MHS5). Also called: CACNA1S-Related Malignant Hyperthermia Susceptibility. Identifiers: Orphanet 423, MedGen C1866077, MONDO:0011163, OMIM 601887.

Allele frequency attached by ClinVar (database versions not stated): gnomAD exomes below 0.00001; gnomAD 0.00001; TOPMed 0.00001.
gnomAD v4.1: 3 of 1,614,106 alleles (0.00019%); highest among the groups gnomAD compares: Non-Finnish European, 0.00025%; no homozygotes.

Submission:

Labcorp Genetics (formerly Invitae), Labcorp
Classification: Uncertain significance for Hypokalemic periodic paralysis, type 1; Malignant hyperthermia, susceptibility to, 5. Last evaluated: 2025-09-30. Review status: criteria provided, single submitter. Criteria: Invitae Variant Classification Sherloc (09022015). Collection method: clinical testing. Allele origin: germline.
Comment: This sequence change replaces alanine, which is neutral and non-polar, with serine, which is neutral and polar, at codon 702 of the CACNA1S protein (p.Ala702Ser). This variant is not present in population databases (gnomAD no frequency). This variant has not been reported in the literature in individuals affected with CACNA1S-related conditions. ClinVar contains an entry for this variant (Variation ID: 579168). Invitae Evidence Modeling of protein sequence and biophysical properties (such as structural, functional, and spatial information, amino acid conservation, physicochemical variation, residue mobility, and thermodynamic stability) indicates that this missense variant is not expected to disrupt CACNA1S protein function with a negative predictive value of 95%. In summary, the available evidence is currently insufficient to determine the role of this variant in disease. Therefore, it has been classified as a Variant of Uncertain Significance.